The following is an entry in ClinVar:

ClinVar aggregate classification (germline): Uncertain significance. Review status: criteria provided, multiple submitters, no conflicts (2 of 4 stars). 4 submissions from 4 submitters: Uncertain significance (4). Last evaluated 2026-03-12.

Conditions:
IGHMBP2-related disorder. Also called: IGHMBP2-related condition; IGHMBP2-related disorders.
Inborn genetic diseases. Identifiers: MedGen C0950123, MeSH D030342.
Charcot-Marie-Tooth disease axonal type 2S. Also called: CHARCOT-MARIE-TOOTH DISEASE, AXONAL, AUTOSOMAL RECESSIVE, TYPE 2S; CHARCOT-MARIE-TOOTH NEUROPATHY, TYPE 2S. Identifiers: Orphanet 443073, MedGen C4015349, MONDO:0014511, OMIM 616155.
Autosomal recessive distal spinal muscular atrophy 1. Also called: NEURONOPATHY, DISTAL HEREDITARY MOTOR, HARDING TYPE VI; NEUROPATHY, DISTAL HEREDITARY MOTOR, AUTOSOMAL RECESSIVE 1; NEURONOPATHY, SEVERE INFANTILE AXONAL, WITH RESPIRATORY FAILURE; HMN VI; SEVERE INFANTILE AXONAL NEUROPATHY WITH RESPIRATORY FAILURE; SPINAL MUSCULAR ATROPHY, DIAPHRAGMATIC. Identifiers: Orphanet 98920, MedGen C1858517, MONDO:0011436, OMIM 604320.

Allele frequency attached by ClinVar (database versions not stated): gnomAD 0.00002; gnomAD exomes 0.00002 and 0.00005; ExAC 0.00003; TOPMed 0.00003; ESP Exome Variant Server 0.00008.

Submissions (4):

PreventionGenetics, part of Exact Sciences
Classification: Uncertain significance for IGHMBP2-related condition. Last evaluated: 2026-03-12. Review status: criteria provided, single submitter. Criteria: ACMG Guidelines, 2015. Collection method: clinical testing. Allele origin: germline.
Comment: The IGHMBP2 c.284C>T variant is predicted to result in the amino acid substitution p.Ala95Val. To our knowledge, this variant has not been reported in the literature. This variant is reported in 0.0046% of alleles in individuals of European (Non-Finnish) descent in gnomAD. At this time, the clinical significance of this variant is uncertain due to the absence of conclusive functional and genetic evidence.

Ambry Genetics
Classification: Uncertain significance for Inborn genetic diseases. Last evaluated: 2024-05-02. Review status: criteria provided, single submitter. Criteria: Ambry Variant Classification Scheme 2023. Collection method: clinical testing. Allele origin: germline.

Labcorp Genetics (formerly Invitae), Labcorp
Classification: Uncertain significance for Autosomal recessive distal spinal muscular atrophy 1; Charcot-Marie-Tooth disease axonal type 2S. Last evaluated: 2021-10-12. Review status: criteria provided, single submitter. Criteria: Invitae Variant Classification Sherloc (09022015). Collection method: clinical testing. Allele origin: germline.
Comment: This sequence change replaces alanine with valine at codon 95 of the IGHMBP2 protein (p.Ala95Val). The alanine residue is weakly conserved and there is a small physicochemical difference between alanine and valine. This variant is present in population databases (rs372940951, ExAC 0.006%). This variant has not been reported in the literature in individuals affected with IGHMBP2-related conditions. ClinVar contains an entry for this variant (Variation ID: 246016). Advanced modeling of protein sequence and biophysical properties (such as structural, functional, and spatial information, amino acid conservation, physicochemical variation, residue mobility, and thermodynamic stability) performed at Invitae indicates that this missense variant is not expected to disrupt IGHMBP2 protein function. In summary, the available evidence is currently insufficient to determine the role of this variant in disease. Therefore, it has been classified as a Variant of Uncertain Significance.

GeneDx
Classification: Uncertain significance. Last evaluated: 2015-11-04. Review status: criteria provided, single submitter. Criteria: GeneDx Variant Classification (06012015). Collection method: clinical testing. Allele origin: germline. Affected: yes.
Comment: The A95V variant has not been published as a pathogenic variant, nor has it been reported as a benign variant to our knowledge. It was not observed with any significant frequency in approximately 6,500 individuals of European and African American ancestry in the NHLBI Exome Sequencing Project. The A95V variant is a conservative amino acid substitution, which is not likely to impact secondary protein structure as these residues share similar properties. This substitution occurs at a position that is not conserved. In silico analysis predicts this variant likely does not alter the protein structure/function. Therefore, based on the currently available information, it is unclear whether this variant is a pathogenic variant or a rare benign variant.

NM_002180.3(IGHMBP2):c.284C>T (p.Ala95Val)

Gene: IGHMBP2 (immunoglobulin mu DNA binding protein 2; plus strand). Cytogenetic location: 11q13.3.
Variant type: single nucleotide variant.
Coding change: c.284C>T on transcript NM_002180.3 (MANE Select); coding-DNA position 284, C replaced by T.
Protein change: p.Ala95Val; replaces alanine 95 with valine.
Molecular consequence: missense variant.
Genome position (GRCh38, 1-based): chr11:68,908,172, C>T. VCF-style: chr11-68908172-C-T. GRCh37 (hg19) VCF-style: chr11-68675640-C-T.
Other names: short protein forms A95V.
Identifiers: ClinVar variation 246016 (VCV000246016.9), dbSNP rs372940951, ClinGen allele CA6153249.